The following is an entry in ClinVar:

NM_001110556.2(FLNA):c.6727G>A (p.Ala2243Thr)

Gene: FLNA (filamin A; minus strand). Cytogenetic location: Xq28.
Variant type: single nucleotide variant.
Coding change: c.6727G>A on transcript NM_001110556.2 (MANE Select); coding-DNA position 6727, G replaced by A.
Protein change: p.Ala2243Thr; replaces alanine 2243 with threonine.
Molecular consequence: missense variant.
Genome position (GRCh38, 1-based): chrX:154,352,223, C>T on the plus strand (G>A on the coding strand, the complement: FLNA is on the minus strand). VCF-style: chrX-154352223-C-T. GRCh37 (hg19) VCF-style: chrX-153580591-C-T.
Other names: c.6703G>A, p.Ala2235Thr (NM_001456.4); short protein forms A2243T, A2235T.
Identifiers: ClinVar variation 3393562 (VCV003393562.1).
Genomic context (GRCh38, chrX:154,352,223, plus strand): 5'-GGGTGTGAGCAGGCCTACCTGGCACTCCAGCTTCAGCTCTCTCCAGGCCAGGGCCCCCAG[C>T]TCGGACCTTGTGGGCTCCCCCTTCCCCTAGGGGCCCCACGGTGAACTGGAAGGGGCTCCC-3'
Protein context (NP_001104026.1, residues 2233-2253): LGEGGAHKVR[Ala2243Thr]GGPGLERAEA

ClinVar aggregate classification (germline): Uncertain significance (1 of 4 stars; one submission).

Submission:

GeneDx
Classification: Uncertain significance. Last evaluated: 2024-07-01. Review status: criteria provided, single submitter. Criteria: GeneDx Variant Classification Process June 2021. Collection method: clinical testing. Allele origin: germline. Affected: yes.
Comment: Not observed at significant frequency in large population cohorts (gnomAD); In silico analysis supports that this missense variant has a deleterious effect on protein structure/function; Has not been previously published as pathogenic or benign to our knowledge